The following is an entry in ClinVar:

ClinVar aggregate classification (germline): Uncertain significance. Review status: criteria provided, multiple submitters, no conflicts (2 of 4 stars). 2 submissions from 2 submitters: Uncertain significance (2). Last evaluated 2024-12-27.

Conditions:
Inborn genetic diseases. Identifiers: MedGen C0950123, MeSH D030342.

Allele frequency attached by ClinVar (database versions not stated): gnomAD exomes below 0.00001.
gnomAD v4.1: 3 of 1,613,702 alleles (0.00019%); highest among the groups gnomAD compares: South Asian, 0.0022%; no homozygotes.

Submissions (2):

Mayo Clinic Laboratories, Mayo Clinic
Classification: Uncertain significance. Last evaluated: 2024-12-27. Review status: criteria provided, single submitter. Criteria: ACMG Guidelines, 2015. Collection method: clinical testing. Allele origin: germline. Observed: 1 variant allele.
Comment: PP3

Ambry Genetics
Classification: Uncertain significance for Inborn genetic diseases. Last evaluated: 2021-08-10. Review status: criteria provided, single submitter. Criteria: Ambry Variant Classification Scheme 2023. Collection method: clinical testing. Allele origin: germline.

NM_015378.4(VPS13D):c.8290T>C (p.Trp2764Arg)

Gene: VPS13D (vacuolar protein sorting 13 homolog D; plus strand). Cytogenetic location: 1p36.22.
Variant type: single nucleotide variant.
Coding change: c.8290T>C on transcript NM_015378.4 (MANE Select); coding-DNA position 8290, T replaced by C.
Protein change: p.Trp2764Arg; replaces tryptophan 2764 with arginine.
Molecular consequence: missense variant.
Genome position (GRCh38, 1-based): chr1:12,333,228, T>C. VCF-style: chr1-12333228-T-C. GRCh37 (hg19) VCF-style: chr1-12393285-T-C.
Other names: p.Trp2764Arg; c.8290T>C, p.Trp2764Arg (NM_018156.4); short protein forms W2764R.
Identifiers: ClinVar variation 2242341 (VCV002242341.3), dbSNP rs1369024739, ClinGen allele CA338486889.